The following is an entry in ClinVar:

ClinVar aggregate classification (germline): Uncertain significance. Review status: criteria provided, multiple submitters, no conflicts (2 of 4 stars). 3 submissions from 3 submitters: Uncertain significance (3). Last evaluated 2025-05-21.

Conditions:
TNFRSF6B-related disorder. Also called: TNFRSF6B-related condition.

Submissions (3):

PreventionGenetics, part of Exact Sciences
Classification: Uncertain significance for TNFRSF6B-related condition. Last evaluated: 2025-05-21. Review status: criteria provided, single submitter. Criteria: ACMG Guidelines, 2015. Collection method: clinical testing. Allele origin: germline.
Comment: The TNFRSF6B c.196A>G variant is predicted to result in the amino acid substitution p.Ser66Gly. To our knowledge, this variant has not been reported in the literature or in a large population database (gnomAD), indicating this variant is rare. At this time, the clinical significance of this variant is uncertain due to the absence of conclusive functional and genetic evidence.

Ambry Genetics
Classification: Uncertain significance. Last evaluated: 2025-02-28. Review status: criteria provided, single submitter. Criteria: Ambry Variant Classification Scheme 2023. Collection method: clinical testing. Allele origin: germline.

Labcorp Genetics (formerly Invitae), Labcorp
Classification: Uncertain significance. Last evaluated: 2024-05-07. Review status: criteria provided, single submitter. Criteria: Invitae Variant Classification Sherloc (09022015). Collection method: clinical testing. Allele origin: germline.
Comment: This sequence change replaces serine, which is neutral and polar, with glycine, which is neutral and non-polar, at codon 66 of the TNFRSF6B protein (p.Ser66Gly). This variant is not present in population databases (gnomAD no frequency). This variant has not been reported in the literature in individuals affected with TNFRSF6B-related conditions. ClinVar contains an entry for this variant (Variation ID: 2042353). An algorithm developed to predict the effect of missense changes on protein structure and function (PolyPhen-2) suggests that this variant is likely to be tolerated. In summary, the available evidence is currently insufficient to determine the role of this variant in disease. Therefore, it has been classified as a Variant of Uncertain Significance.

NM_003823.4(TNFRSF6B):c.196A>G (p.Ser66Gly)

Genes: RTEL1-TNFRSF6B (RTEL1-TNFRSF6B readthrough (NMD candidate); plus strand), TNFRSF6B (TNF receptor superfamily member 6b; plus strand). Cytogenetic location: 20q13.33.
Variant type: single nucleotide variant.
Coding change: c.196A>G on transcript NM_003823.4 (MANE Select); coding-DNA position 196, A replaced by G.
Protein change: p.Ser66Gly; replaces serine 66 with glycine.
Molecular consequence: missense variant. On other transcripts: non-coding transcript variant (1).
Genome position (GRCh38, 1-based): chr20:63,696,963, A>G. VCF-style: chr20-63696963-A-G. GRCh37 (hg19) VCF-style: chr20-62328316-A-G.
Other names: c.196A>G (NM_003823.3); short protein forms S66G.
Identifiers: ClinVar variation 2042353 (VCV002042353.6), dbSNP rs2145487089, ClinGen allele CA409710940.
Genomic context (GRCh38, chr20:63,696,963, plus strand): 5'-CGGCTGGTGTGCGCCCAGTGCCCCCCAGGCACCTTTGTGCAGCGGCCGTGCCGCCGAGAC[A>G]GCCCCACGACGTGTGGCCCGTGTCCACCGCGCCACTACACGCAGTTCTGGAACTACCTAG-3'
Protein context (NP_003814.1, residues 56-76): TFVQRPCRRD[Ser66Gly]PTTCGPCPPR